The following is an entry in ClinVar:

ClinVar aggregate classification (germline): Uncertain significance (1 of 4 stars; one submission).

Conditions:
Thrombophilia due to protein S deficiency, autosomal recessive (THPH6). Identifiers: Orphanet 743, MedGen C3281092, MONDO:0013791, OMIM 614514. Disease mechanism: loss of function.

gnomAD v4.1: 1 of 1,612,974 alleles (0.000062%); highest among the groups gnomAD compares: Non-Finnish European, 0.000085%; no homozygotes.

Submission:

Labcorp Genetics (formerly Invitae), Labcorp
Classification: Uncertain significance for Thrombophilia due to protein S deficiency, autosomal recessive. Last evaluated: 2024-07-24. Review status: criteria provided, single submitter. Criteria: Invitae Variant Classification Sherloc (09022015). Collection method: clinical testing. Allele origin: germline.
Comment: This sequence change replaces lysine, which is basic and polar, with asparagine, which is neutral and polar, at codon 314 of the PROS1 protein (p.Lys314Asn). This variant is not present in population databases (gnomAD no frequency). This variant has not been reported in the literature in individuals affected with PROS1-related conditions. Advanced modeling of protein sequence and biophysical properties (such as structural, functional, and spatial information, amino acid conservation, physicochemical variation, residue mobility, and thermodynamic stability) performed at Invitae indicates that this missense variant is not expected to disrupt PROS1 protein function with a negative predictive value of 80%. In summary, the available evidence is currently insufficient to determine the role of this variant in disease. Therefore, it has been classified as a Variant of Uncertain Significance.

NM_000313.4(PROS1):c.942A>T (p.Lys314Asn)

Gene: PROS1 (protein S; minus strand). Cytogenetic location: 3q11.1.
Variant type: single nucleotide variant.
Coding change: c.942A>T on transcript NM_000313.4 (MANE Select); coding-DNA position 942, A replaced by T.
Protein change: p.Lys314Asn; replaces lysine 314 with asparagine.
Molecular consequence: missense variant.
Genome position (GRCh38, 1-based): chr3:93,896,599, T>A on the plus strand (A>T on the coding strand, the complement: PROS1 is on the minus strand). VCF-style: chr3-93896599-T-A. GRCh37 (hg19) VCF-style: chr3-93615443-T-A.
Other names: c.1038A>T, p.Lys346Asn (NM_001314077.2); short protein forms K346N, K314N.
Identifiers: ClinVar variation 3660481 (VCV003660481.2).
Genomic context (GRCh38, chr3:93,896,599, plus strand): 5'-TAACCTCTAGAAATTATCATTGGTATTGGTTCCTCACCTGCTGATTTCTGGCAAACGAAA[T>A]TTTAAATATAAAACAACCCCTGCAAACTGCTCCGCCAAGTAAAGTAATTCATACTTTGTG-3'
Protein context (NP_000304.2, residues 304-324): EQFAGVVLYL[Lys314Asn]FRLPEISRFS